The following is an entry in ClinVar:

NM_017780.4(CHD7):c.7967del (p.Lys2656fs)

Gene: CHD7 (chromodomain helicase DNA binding protein 7; plus strand). Cytogenetic location: 8q12.2.
Variant type: Deletion.
Coding change: c.7967del on transcript NM_017780.4 (MANE Select); coding-DNA position 7967, one base deleted (A; older notation c.7967delA).
Protein change: p.Lys2656fs; shifts the reading frame from lysine 2656.
Molecular consequence: frameshift variant.
Genome position (GRCh38, 1-based): chr8:60,862,332, A deleted; the last of 2 consecutive A bases (chr8:60,862,331-60,862,332); deleting either gives the same sequence. VCF-style (leftmost placement, unchanged base first): chr8-60862330-GA-G. GRCh37 (hg19) VCF-style: chr8-61774889-GA-G.
Other names: c.1820del, p.Lys607fs (NM_001316690.1); short protein forms K2656fs, K607fs.
Identifiers: ClinVar variation 1321230 (VCV001321230.2), dbSNP rs2129721927, ClinGen allele CA2573053045.
Genomic context (GRCh38, chr8:60,862,330, plus strand): 5'-ATTGGATATAAACACTTTGACAGGAGAAGAAAGGGTGCCTGTTGTCAATAAACGAAATGG[GA>G]AGAAGGTAAACGCTGGGAAAGGGAATTGATCACTATGCGATTTCTTAGCCCAGAAGGAAG-3'

ClinVar aggregate classification (germline): Pathogenic (0 of 4 stars; one submission).

Conditions:
CHARGE syndrome (CHARGE). Also called: Hittner Hirsch Kreh syndrome; CHARGE ASSOCIATION--COLOBOMA, HEART ANOMALY, CHOANAL ATRESIA, RETARDATION, GENITAL AND EAR ANOMALIES; Coloboma, heart anomaly, choanal atresia, retardation, genital and ear anomalies; CHARGE association; Hall-Hittner syndrome. Identifiers: Orphanet 138, MedGen C0265354, MONDO:0008965.

Submission:

MVZ Praenatalmedizin und Genetik Nuernberg
Classification: Pathogenic for CHD7-related CHARGE syndrome. Last evaluated: 2021-10-31. Review status: no assertion criteria provided. Collection method: clinical testing. Allele origin: de novo. Inheritance: Autosomal dominant inheritance. Affected: yes. Observed: 1 heterozygote.
Comment: This variant was not found in the databases (ClinVar, LOVD). GnomAD shows no entry for this variant (very rare or private variant). This variant in exon 36 of BRIP1 results in a premature stop-codon. Thus, we expect a loss of function. Accordingly, ClinVar lists several nonsense mutations further downstream (e.g. NM_017780.4:c.8023G>T; p.Glu2675Ter) with pathogenic entries. We therefore classify this variant as pathogenic.